The following is an entry in ClinVar:

NC_000023.11:g.(?_134460292)_(134460385_?)del

Genes: HPRT1 (hypoxanthine phosphoribosyltransferase 1; plus strand), LOC129929047 (ATAC-STARR-seq lymphoblastoid silent region 21009; plus strand), LOC107032760 (origin of replication in promoter/intron 1 of HPRT1; plus strand). Cytogenetic location: Xq26.2.
Variant type: Deletion.
Identifiers: ClinVar variation 662833 (VCV000662833.9).

ClinVar aggregate classification (germline): Pathogenic (1 of 4 stars; one submission).

Conditions:
Lesch-Nyhan syndrome (LNS). Also called: HPRT DEFICIENCY, COMPLETE; Lesch-Nyhan Disease (LND). Identifiers: Orphanet 510, MedGen C0023374, MONDO:0010298, OMIM 300322.
Partial hypoxanthine-guanine phosphoribosyltransferase deficiency. Also called: HPRT1 DEFICIENCY, PARTIAL; HPRT DEFICIENCY, PARTIAL; HYPOXANTHINE GUANINE PHOSPHORIBOSYLTRANSFERASE 1 DEFICIENCY, PARTIAL; Kelley-Seegmiller Syndrome; GOUT, HPRT-RELATED. Identifiers: Orphanet 79233, MedGen C0268117, MONDO:0010299, OMIM 300323.

Submission:

Labcorp Genetics (formerly Invitae), Labcorp
Classification: Pathogenic for Lesch-Nyhan syndrome; Partial hypoxanthine-guanine phosphoribosyltransferase deficiency. Last evaluated: 2021-08-04. Review status: criteria provided, single submitter. Criteria: Invitae Variant Classification Sherloc (09022015). Collection method: clinical testing. Allele origin: germline.
Comment: This variant is a gross deletion of the genomic region encompassing exon(s) 1 of the HPRT1 gene, which includes the initiator codon. The 5' end of this event is unknown as it extends beyond the assayed region for this gene and therefore may encompass additional genes. The 3' boundary is likely confined to intron 1 of the HPRT1 gene. It is expected to result in an absent or disrupted protein product. Loss-of-function variants in HPRT1 are known to be pathogenic (PMID: 15571220, 17027311, 22157001). A similar copy number variant has been observed in individuals with Lesch-Nyhan disease (PMID: 9799086, 23975452). For these reasons, this variant has been classified as Pathogenic.

Literature cited by the submitters: PubMed 15571220; PubMed 17027311; PubMed 22157001; PubMed 9799086; PubMed 23975452.